The following is an entry in ClinVar:

NM_001349798.2(FBXW7):c.1100G>C (p.Arg367Pro)

Gene: FBXW7 (F-box and WD repeat domain containing 7; minus strand). Cytogenetic location: 4q31.3.
Variant type: single nucleotide variant.
Coding change: c.1100G>C on transcript NM_001349798.2 (MANE Select); coding-DNA position 1100, G replaced by C.
Protein change: p.Arg367Pro; replaces arginine 367 with proline.
Molecular consequence: missense variant.
Genome position (GRCh38, 1-based): chr4:152,330,754, C>G on the plus strand (G>C on the coding strand, the complement: FBXW7 is on the minus strand). VCF-style: chr4-152330754-C-G. GRCh37 (hg19) VCF-style: chr4-153251906-C-G.
Other names: c.746G>C, p.Arg249Pro (NM_001013415.2); c.860G>C, p.Arg287Pro (NM_018315.5); c.1100G>C, p.Arg367Pro (NM_033632.3); short protein forms R249P, R287P, R367P.
Identifiers: ClinVar variation 4530541 (VCV004530541.1).

ClinVar aggregate classification (somatic clinical impact): Tier I - Strong (1 of 4 stars; one submission).

Conditions:
Embryonal rhabdomyosarcoma (ERMS). Also called: Botryoid rhabdomyosarcoma (type of ERMS); Spindle cell rhabdomyosarcomas (type of ERMS). Identifiers: Orphanet 99757, MedGen C0206656, MONDO:0009993, HP:0006743.

Submission:

Institute for Genomic Medicine (IGM) Clinical Laboratory, Nationwide Children's Hospital
Classification: Tier I - Strong for Embryonal rhabdomyosarcoma. Assertion type: diagnostic. Clinical significance: supports diagnosis. Last evaluated: 2024-05-17. Review status: criteria provided, single submitter. Criteria: AMP/ASCO/CAP Guidelines, 2017. Collection method: clinical testing. Allele origin: somatic. Affected: yes.
Comment: Variant has Tier I (strong) clinical significance as a diagnostic inclusion criterion in embryonal rhabdomyosarcoma, based on the following evidence: 1) Documented in one or more cancer databases (e.g., St. Jude Pecan, COSMIC, CIViC, OncoKB). 2) Appears in one or more well-established professional guidelines (e.g., World Health Organization [WHO]; National Comprehensive Cancer Network [NCCN]) as providing diagnostic, prognostic, or therapeutic information. 3) Diagnostic for a specific tumor type/classification based on well-powered studies with expert-level consensus (Evidence Level B; PMIDs: 24436047, 34166060, 25768946).

Literature cited by the submitters: PubMed 24436047; PubMed 34166060; PubMed 25768946.